The following is an entry in ClinVar:

NM_052813.5(CARD9):c.602T>C (p.Met201Thr)

Gene: CARD9 (caspase recruitment domain family member 9; minus strand). Cytogenetic location: 9q34.3.
Variant type: single nucleotide variant.
Coding change: c.602T>C on transcript NM_052813.5 (MANE Select); coding-DNA position 602, T replaced by C.
Protein change: p.Met201Thr; replaces methionine 201 with threonine.
Molecular consequence: missense variant.
Genome position (GRCh38, 1-based): chr9:136,370,866, A>G on the plus strand (T>C on the coding strand, the complement: CARD9 is on the minus strand). VCF-style: chr9-136370866-A-G. GRCh37 (hg19) VCF-style: chr9-139265318-A-G.
Other names: c.602T>C, p.Met201Thr (NM_052814.4); short protein forms M201T.
Identifiers: ClinVar variation 945013 (VCV000945013.8), dbSNP rs1833249736, ClinGen allele CA375545128.
Genomic context (GRCh38, chr9:136,370,866, plus strand): 5'-AGGGTGGCCTGGTTTCCCGGGGGCAGCGGGCGCACCTCCAGCTGCAGGTCACGGTTCCGC[A>G]TGAGCGCGGCGCCCTTCTCCTCACTCTGGTGCGCCAGGCGCATGGCCAGGTCGTAGTTCT-3'
Protein context (NP_434700.2, residues 191-211): HQSEEKGAAL[Met201Thr]RNRDLQLEID

ClinVar aggregate classification (germline): Uncertain significance (1 of 4 stars; one submission).

Conditions:
Predisposition to invasive fungal disease due to CARD9 deficiency (IMD103). Also called: IMMUNODEFICIENCY 103, SUSCEPTIBILITY TO FUNGAL INFECTIONS; Candidiasis, familial, 2, autosomal recessive; CARD9 IMMUNODEFICIENCY. Identifiers: Orphanet 457088, MedGen C1859353, MONDO:0008905, OMIM 212050.

Allele frequency attached by ClinVar (database versions not stated): TOPMed below 0.00001; gnomAD 0.00001; gnomAD exomes 0.00001.
gnomAD v4.1: 5 of 1,600,868 alleles (0.00031%); highest among the groups gnomAD compares: Middle Eastern, 0.05%; no homozygotes.

Submission:

Labcorp Genetics (formerly Invitae), Labcorp
Classification: Uncertain significance for Predisposition to invasive fungal disease due to CARD9 deficiency. Last evaluated: 2023-09-14. Review status: criteria provided, single submitter. Criteria: Invitae Variant Classification Sherloc (09022015). Collection method: clinical testing. Allele origin: germline.
Comment: In summary, the available evidence is currently insufficient to determine the role of this variant in disease. Therefore, it has been classified as a Variant of Uncertain Significance. Algorithms developed to predict the effect of missense changes on protein structure and function output the following: SIFT: "Not Available"; PolyPhen-2: "Benign"; Align-GVGD: "Not Available". The threonine amino acid residue is found in multiple mammalian species, which suggests that this missense change does not adversely affect protein function. ClinVar contains an entry for this variant (Variation ID: 945013). This variant has not been reported in the literature in individuals affected with CARD9-related conditions. This variant is not present in population databases (gnomAD no frequency). This sequence change replaces methionine, which is neutral and non-polar, with threonine, which is neutral and polar, at codon 201 of the CARD9 protein (p.Met201Thr).